The following is an entry in ClinVar:

ClinVar aggregate classification (germline): Uncertain significance. Review status: criteria provided, multiple submitters, no conflicts (2 of 4 stars). 5 submissions from 5 submitters: Uncertain significance (3). 2 of the submissions do not count toward it. Last evaluated 2025-02-24.

Conditions:
Inborn genetic diseases. Identifiers: MedGen C0950123, MeSH D030342.
Tay-Sachs disease (TSD). Also called: HEXA Disorders; HEXA DEFICIENCY; Hexosaminidase A Deficiency; GM2 gangliosidosis, type 1; Hexosaminidase alpha-subunit deficiency (variant B); Sphingolipidosis, Tay-Sachs. Identifiers: Orphanet 845, MedGen C0039373, MONDO:0010100, OMIM 272800.

Allele frequency attached by ClinVar (database versions not stated): gnomAD exomes 0.00002 and 0.00006; ExAC 0.00010; gnomAD 0.00011 and 0.00012; TOPMed 0.00017; ESP Exome Variant Server 0.00023; 1000 Genomes Project 30x 0.00031; 1000 Genomes Project 0.00040.
gnomAD v4.1: 40 of 1,613,110 alleles (0.0025%); highest among the groups gnomAD compares: African/African-American, 0.051%; no homozygotes.

Submissions (5):

Women's Health and Genetics/Laboratory Corporation of America, LabCorp
Classification: Uncertain significance. Last evaluated: 2025-02-24. Review status: criteria provided, single submitter. Criteria: LabCorp Variant Classification Summary - May 2015. Collection method: clinical testing. Allele origin: germline.
Comment: Variant summary: HEXA c.1416G>C (p.Arg472Ser) results in a non-conservative amino acid change in the encoded protein sequence. Five of five in-silico tools predict a damaging effect of the variant on protein function. The variant allele was found at a frequency of 6.4e-05 in 250818 control chromosomes (gnomAD). This frequency is not significantly higher than estimated for a pathogenic variant in HEXA causing Tay-Sachs Disease (6.4e-05 vs 0.0014), allowing no conclusion about variant significance. To our knowledge, no occurrence of c.1416G>C in individuals affected with Tay-Sachs Disease and no experimental evidence demonstrating its impact on protein function have been reported. ClinVar contains an entry for this variant (Variation ID: 555026). Based on the evidence outlined above, the variant was classified as uncertain significance.

Labcorp Genetics (formerly Invitae), Labcorp
Classification: Uncertain significance for Tay-Sachs disease. Last evaluated: 2024-12-16. Review status: criteria provided, single submitter. Criteria: Invitae Variant Classification Sherloc (09022015). Collection method: clinical testing. Allele origin: germline.
Comment: This sequence change replaces arginine, which is basic and polar, with serine, which is neutral and polar, at codon 472 of the HEXA protein (p.Arg472Ser). This variant is present in population databases (rs369117208, gnomAD 0.06%). This variant has not been reported in the literature in individuals affected with HEXA-related conditions. ClinVar contains an entry for this variant (Variation ID: 555026). Invitae Evidence Modeling of protein sequence and biophysical properties (such as structural, functional, and spatial information, amino acid conservation, physicochemical variation, residue mobility, and thermodynamic stability) indicates that this missense variant is expected to disrupt HEXA protein function with a positive predictive value of 95%. In summary, the available evidence is currently insufficient to determine the role of this variant in disease. Therefore, it has been classified as a Variant of Uncertain Significance.

Ambry Genetics
Classification: Uncertain significance for Inborn genetic diseases. Last evaluated: 2017-07-01. Review status: criteria provided, single submitter. Criteria: Ambry Variant Classification Scheme 2023. Collection method: clinical testing. Allele origin: germline.
Comment: The p.R472S variant (also known as c.1416G>C), located in coding exon 12 of the HEXA gene, results from a G to C substitution at nucleotide position 1416. The arginine at codon 472 is replaced by serine, an amino acid with dissimilar properties. This amino acid position is highly conserved in available vertebrate species. In addition, this alteration is predicted to be deleterious by in silico analysis. Since supporting evidence is limited at this time, the clinical significance of this alteration remains unclear.

Counsyl
Classification: Uncertain significance for Tay-Sachs disease. Last evaluated: 2017-11-16. Review status: no assertion criteria provided. Collection method: clinical testing. Allele origin: unknown. Not counted in ClinVar's aggregate classification.

Natera, Inc.
Classification: Uncertain significance for Tay-Sachs disease. Last evaluated: 2017-04-21. Review status: no assertion criteria provided. Collection method: clinical testing. Allele origin: germline. Not counted in ClinVar's aggregate classification.

NM_000520.6(HEXA):c.1416G>C (p.Arg472Ser)

Gene: HEXA (hexosaminidase subunit alpha; minus strand). Cytogenetic location: 15q23.
Variant type: single nucleotide variant.
Coding change: c.1416G>C on transcript NM_000520.6 (MANE Select); coding-DNA position 1416, G replaced by C.
Protein change: p.Arg472Ser; replaces arginine 472 with serine.
Molecular consequence: missense variant. On other transcripts: non-coding transcript variant (1).
Genome position (GRCh38, 1-based): chr15:72,346,240, C>G on the plus strand (G>C on the coding strand, the complement: HEXA is on the minus strand). VCF-style: chr15-72346240-C-G. GRCh37 (hg19) VCF-style: chr15-72638581-C-G.
Other names: c.1449G>C, p.Arg483Ser (NM_001318825.2); short protein forms R472S, R483S.
Identifiers: ClinVar variation 555026 (VCV000555026.15), dbSNP rs369117208, ClinGen allele CA7644702.